The following is an entry in ClinVar:

ClinVar aggregate classification (germline): Conflicting classifications of pathogenicity. Review status: criteria provided, conflicting classifications (1 of 4 stars). 5 submissions from 5 submitters: Uncertain significance (4); Likely benign (1). Last evaluated 2025-06-17.

Conditions:
Cardiovascular phenotype. Identifiers: MedGen CN230736.
Brittle cornea syndrome 1 (BCS1). Also called: CORNEAL FRAGILITY, KERATOGLOBUS, BLUE SCLERAE, JOINT HYPEREXTENSIBILITY; EDS6B; FRAGILITAS OCULI WITH JOINT HYPEREXTENSIBILITY; Corneal fragility keratoglobus, blue sclerae AND joint hypermobility; DYSGENESIS MESODERMALIS CORNEAE ET SCLERAE. Identifiers: Orphanet 90354, MedGen C0268344, MONDO:0024543, OMIM 229200.

Allele frequency attached by ClinVar (database versions not stated): gnomAD exomes 0.00002 and 0.00005; gnomAD 0.00006; ExAC 0.00007; TOPMed 0.00012.
gnomAD v4.1: 81 of 1,549,872 alleles (0.0052%); highest among the groups gnomAD compares: African/African-American, 0.012%; no homozygotes.

Submissions (5):

GeneDx
Classification: Uncertain significance. Last evaluated: 2025-06-17. Review status: criteria provided, single submitter. Criteria: GeneDx Variant Classification Process June 2021. Collection method: clinical testing. Allele origin: germline. Affected: yes.
Comment: Not observed at significant frequency in large population cohorts (gnomAD); In silico analysis supports that this missense variant does not alter protein structure/function; Has not been previously published as pathogenic or benign to our knowledge

Labcorp Genetics (formerly Invitae), Labcorp
Classification: Uncertain significance. Last evaluated: 2021-11-29. Review status: criteria provided, single submitter. Criteria: Invitae Variant Classification Sherloc (09022015). Collection method: clinical testing. Allele origin: germline.
Comment: This sequence change replaces glycine, which is neutral and non-polar, with serine, which is neutral and polar, at codon 3713 of the ZNF469 protein (p.Gly3713Ser). This variant is present in population databases (rs745385522, gnomAD 0.01%). This variant has not been reported in the literature in individuals affected with ZNF469-related conditions. Algorithms developed to predict the effect of missense changes on protein structure and function output the following: SIFT: "Tolerated"; PolyPhen-2: "Benign"; Align-GVGD: "Class C0". The serine amino acid residue is found in multiple mammalian species, which suggests that this missense change does not adversely affect protein function. In summary, the available evidence is currently insufficient to determine the role of this variant in disease. Therefore, it has been classified as a Variant of Uncertain Significance.

Ambry Genetics
Classification: Likely benign for Cardiovascular phenotype. Last evaluated: 2019-06-20. Review status: criteria provided, single submitter. Criteria: Ambry Variant Classification Scheme 2023. Collection method: clinical testing. Allele origin: germline.

Knight Diagnostic Laboratories, Oregon Health and Sciences University
Classification: Uncertain significance for Brittle cornea syndrome 1. Last evaluated: 2019-03-18. Review status: criteria provided, single submitter. Criteria: ACMG Guidelines, 2015. Collection method: clinical testing. Allele origin: germline. Observed: 1 variant allele.

Breakthrough Genomics
Classification: Uncertain significance. Review status: criteria provided, single submitter. Criteria: ACMG Guidelines, 2015. Collection method: not provided. Allele origin: germline. Inheritance: Autosomal recessive inheritance. Affected: yes.

NM_001367624.2(ZNF469):c.11221G>A (p.Gly3741Ser)

Gene: ZNF469 (zinc finger protein 469; plus strand). Cytogenetic location: 16q24.2.
Variant type: single nucleotide variant.
Coding change: c.11221G>A on transcript NM_001367624.2 (MANE Select); coding-DNA position 11221, G replaced by A.
Protein change: p.Gly3741Ser; replaces glycine 3741 with serine.
Molecular consequence: missense variant.
Genome position (GRCh38, 1-based): chr16:88,438,691, G>A. VCF-style: chr16-88438691-G-A. GRCh37 (hg19) VCF-style: chr16-88505099-G-A.
Other names: NM_001127464.1:c.11137G>A; short protein forms G3741S.
Identifiers: ClinVar variation 387472 (VCV000387472.9), dbSNP rs745385522, ClinGen allele CA8225592.
Genomic context (GRCh38, chr16:88,438,691, plus strand): 5'-CCCGCCACCCCCAAAGCCAAACCCGGCCCCAGCTCCCAGGGCAGTGGAAGCCCTCGCCCC[G>A]GCACCAAGACAGGAGGTGGCAGCCAGCCCCAGCCAGCCAGCGGGCAGCTCCAGAGCGAGA-3'
Protein context (NP_001354553.1, residues 3731-3751): SSQGSGSPRP[Gly3741Ser]TKTGGGSQPQ